The following is an entry in ClinVar:

NM_000155.4(GALT):c.691C>T (p.Arg231Cys)

Gene: GALT (galactose-1-phosphate uridylyltransferase; plus strand). Cytogenetic location: 9p13.3.
Variant type: single nucleotide variant.
Coding change: c.691C>T on transcript NM_000155.4 (MANE Select); coding-DNA position 691, C replaced by T.
Protein change: p.Arg231Cys; replaces arginine 231 with cysteine.
Molecular consequence: missense variant.
Genome position (GRCh38, 1-based): chr9:34,648,765, C>T. VCF-style: chr9-34648765-C-T. GRCh37 (hg19) VCF-style: chr9-34648762-C-T.
Other names: p.R231C:CGT>TGT; c.364C>T, p.Arg122Cys (NM_001258332.2); short protein forms R122C.
Identifiers: ClinVar variation 25246 (VCV000025246.29), dbSNP rs111033749, ClinGen allele CA259477.

ClinVar aggregate classification (germline): Pathogenic. Review status: criteria provided, multiple submitters, no conflicts (2 of 4 stars). 12 submissions from 12 submitters: Pathogenic (11). 1 of the submissions does not count toward it. Last evaluated 2025-09-24.

Conditions:
GALT-related disorder. Also called: GALT-related condition.
Galactosemia. Also called: Galactose intolerance. Identifiers: Orphanet 352, MedGen C0016952, MONDO:0018116, HP:0004919. Disease mechanism: loss of function.
Deficiency of UDPglucose-hexose-1-phosphate uridylyltransferase. Also called: GALT deficiency; Galactosemia, classic; Transferase Deficiency Galactosemia; GALACTOSEMIA I; GALACTOSE-1-PHOSPHATE URIDYLYLTRANSFERASE DEFICIENCY. Identifiers: Orphanet 352, Orphanet 79239, MedGen C0268151, MONDO:0009258, OMIM 230400.

Allele frequency attached by ClinVar (database versions not stated): gnomAD exomes 0.00001; TOPMed 0.00001.

Submissions (12):

Natera, Inc.
Classification: Pathogenic for Galactosemia. Last evaluated: 2025-09-24. Review status: criteria provided, single submitter. Criteria: Natera Variant Classification Schema (03/2026). Collection method: clinical testing. Allele origin: germline.
Comment: The c.691C>T variant in GALT is a missense variant predicted to cause substitution of arginine to cysteine at amino acid 231. This variant is rare in the general population with a frequency below the threshold expected for the associated phenotype(s). This variant has been observed in one or more individuals affected with the associated recessive disease, as either homozygous or compound heterozygous with a second variant (PMID: 22944367, 36515074, 30718057). Computational prediction algorithms indicate this variant is likely to affect gene or protein function. Given the available evidence, this variant is classified as Pathogenic.

3billion
Classification: Pathogenic for Deficiency of UDPglucose-hexose-1-phosphate uridylyltransferase. Last evaluated: 2025-02-04. Review status: criteria provided, single submitter. Criteria: ACMG Guidelines, 2015. Collection method: clinical testing. Allele origin: germline. Affected: yes.
Comment: The variant is observed at an extremely low frequency in the gnomAD v4.1.0 dataset (total allele frequency: <0.001%). Predicted Consequence/Location: Missense variant In silico tool predictions suggest damaging effect of the variant on gene or gene product [REVEL: 0.98 (>=0.6, sensitivity 0.68 and specificity 0.92); 3Cnet: 0.99 (>=0.6, sensitivity 0.72 and precision 0.9)]. The same nucleotide change resulting in the same amino acid change has been previously reported as pathogenic/likely pathogenic with strong evidence (ClinVar ID: VCV000025246 /PMID: 22944367). Different missense changes at the same codon (p.Arg231Gly, p.Arg231His) have been reported as pathogenic/likely pathogenic with strong evidence (ClinVar ID: VCV000025247, VCV000852788 /PMID: 7550229). Therefore, this variant is classified as Pathogenic according to the recommendation of ACMG/AMP guideline.

Labcorp Genetics (formerly Invitae), Labcorp
Classification: Pathogenic for Deficiency of UDPglucose-hexose-1-phosphate uridylyltransferase. Last evaluated: 2024-11-22. Review status: criteria provided, single submitter. Criteria: Invitae Variant Classification Sherloc (09022015). Collection method: clinical testing. Allele origin: germline.
Comment: This sequence change replaces arginine, which is basic and polar, with cysteine, which is neutral and slightly polar, at codon 231 of the GALT protein (p.Arg231Cys). This variant is present in population databases (rs111033749, gnomAD 0.01%). This missense change has been observed in individual(s) with low GALT enzyme activity, findings that are highly specific for galactose-1-phosphate uridylyltransferase deficiency (PMID: 14518827, 22944367; internal data). ClinVar contains an entry for this variant (Variation ID: 25246). Invitae Evidence Modeling of protein sequence and biophysical properties (such as structural, functional, and spatial information, amino acid conservation, physicochemical variation, residue mobility, and thermodynamic stability) indicates that this missense variant is expected to disrupt GALT protein function with a positive predictive value of 95%. Experimental studies have shown that this missense change affects GALT function (PMID: 25614870, 25814382). This variant disrupts the p.Arg231 amino acid residue in GALT. Other variant(s) that disrupt this residue have been determined to be pathogenic (PMID: 7550229, 11152465, 22944367, 25614870). This suggests that this residue is clinically significant, and that variants that disrupt this residue are likely to be disease-causing. For these reasons, this variant has been classified as Pathogenic.

Fulgent Genetics
Classification: Pathogenic for Deficiency of UDPglucose-hexose-1-phosphate uridylyltransferase. Last evaluated: 2024-05-07. Review status: criteria provided, single submitter. Criteria: ACMG Guidelines, 2015. Collection method: clinical testing. Allele origin: germline.

GeneDx
Classification: Pathogenic. Last evaluated: 2024-02-26. Review status: criteria provided, single submitter. Criteria: GeneDx Variant Classification Process June 2021. Collection method: clinical testing. Allele origin: germline. Affected: yes.
Comment: Published functional studies found this variant is associated with significantly reduced enzyme activity (PMID: 25614870); Not observed at significant frequency in large population cohorts (gnomAD); In silico analysis supports that this missense variant has a deleterious effect on protein structure/function; This variant is associated with the following publications: (PMID: 27629047, 33636947, 36515074, 25614870, 22944367, 30718057, 25814382, 31980526, 31130284)

Revvity Omics, Revvity
Classification: Pathogenic for Deficiency of UDPglucose-hexose-1-phosphate uridylyltransferase. Last evaluated: 2023-09-14. Review status: criteria provided, single submitter. Criteria: ACMG Guidelines, 2015. Collection method: clinical testing. Allele origin: germline.

Genomic Medicine Center of Excellence, King Faisal Specialist Hospital and Research Centre
Classification: Pathogenic for Deficiency of UDPglucose-hexose-1-phosphate uridylyltransferase. Last evaluated: 2023-05-08. Review status: criteria provided, single submitter. Criteria: ACMG Guidelines, 2015. Collection method: research. Allele origin: germline. Affected: yes.

Blueprint Genetics
Classification: Pathogenic for GALT-related disorders. Last evaluated: 2023-04-13. Review status: criteria provided, single submitter. Criteria: ACMG Guidelines, 2015. Collection method: clinical testing. Allele origin: germline. Affected: yes. Observed: 2 variant alleles.

Eurofins Ntd Llc (ga)
Classification: Pathogenic. Last evaluated: 2018-02-15. Review status: criteria provided, single submitter. Criteria: EGL ClinVar v180209 classification definitions. Collection method: clinical testing. Allele origin: germline. Observed: 4 variant alleles, 4 heterozygotes.

Women's Health and Genetics/Laboratory Corporation of America, LabCorp
Classification: Pathogenic for Deficiency of UDPglucose-hexose-1-phosphate uridylyltransferase. Last evaluated: 2016-11-14. Review status: criteria provided, single submitter. Criteria: LabCorp Variant Classification Summary - May 2015. Collection method: clinical testing. Allele origin: germline.
Comment: Variant summary: The GALT c.691C>T (p.Arg231Cys) variant involves the alteration of a conserved nucleotide and is located in the intersubunit interface of the protein (Boutron_2012). 4/4 in silico tools predict a damaging outcome for this variant. This variant has been reported multiple patients with galactosemia in homozygous or compound heterozygous state with other pathogenic variants (Alfadhel_2016, Boutron_2012, Schadewaldt_2003) and is absent in 121210 control chromosomes. A functional study showed this variant leads to loss of enzymatic activity (Coelho_2014). Another missense change (p.R231H) at this residue has also been reported in association with galactosemia (ARUP, ClinVar). Multiple clinical diagnostic laboratories/reputable databases have classified this variant as pathogenic. Taken together, this variant is classified as Pathogenic.

Juno Genomics, Hangzhou Juno Genomics, Inc
Classification: Pathogenic for Deficiency of UDPglucose-hexose-1-phosphate uridylyltransferase. Review status: criteria provided, single submitter. Criteria: ACMG Guidelines, 2015. Collection method: clinical testing. Allele origin: germline.
Comment: Absent from controls (or at extremely low frequency if recessive) in Genome Aggregation Database.;Well-established in vitro or in vivo functional studies supportive of a damaging effect on the gene or gene product.;For recessive disorders, detected in trans with a pathogenic variant.;Patient's phenotype or family history is highly specific for a disease with a single genetic etiology.

Counsyl
Classification: Likely pathogenic for Deficiency of UDPglucose-hexose-1-phosphate uridylyltransferase. Last evaluated: 2016-06-21. Review status: no assertion criteria provided. Collection method: clinical testing. Allele origin: unknown. Not counted in ClinVar's aggregate classification.

Literature cited by the submitters: PubMed 22944367 (cited by 5 submitters); PubMed 36515074 (cited by Natera, Inc.); PubMed 30718057 (cited by Natera, Inc.); PubMed 7550229 (cited by 3billion and Labcorp Genetics (formerly Invitae), Labcorp); PubMed 14518827 (cited by 3 submitters); PubMed 25614870 (cited by 3 submitters); PubMed 25814382 (cited by Labcorp Genetics (formerly Invitae), Labcorp and Counsyl); PubMed 11152465 (cited by Labcorp Genetics (formerly Invitae), Labcorp); PubMed 27629047 (cited by Women's Health and Genetics/Laboratory Corporation of America, LabCorp).